The following is an entry in ClinVar:

NM_002473.6(MYH9):c.1335C>G (p.Ala445=)

Gene: MYH9 (myosin heavy chain 9; minus strand). Cytogenetic location: 22q12.3.
Variant type: single nucleotide variant.
Coding change: c.1335C>G on transcript NM_002473.6 (MANE Select); coding-DNA position 1335, C replaced by G.
Protein change: p.Ala445=; no amino-acid change (alanine 445 retained).
Molecular consequence: synonymous variant.
Genome position (GRCh38, 1-based): chr22:36,316,562, G>C on the plus strand (C>G on the coding strand, the complement: MYH9 is on the minus strand). VCF-style: chr22-36316562-G-C. GRCh37 (hg19) VCF-style: chr22-36712607-G-C.
Identifiers: ClinVar variation 3030735 (VCV003030735.2), dbSNP rs569379665, ClinGen allele CA514369305.

ClinVar aggregate classification (germline): Likely benign (0 of 4 stars; one submission).

Conditions:
MYH9-related disorder. Identifiers: MedGen C1854520.

Submission:

PreventionGenetics, part of Exact Sciences
Classification: Likely benign for MYH9-related condition. Last evaluated: 2023-11-30. Review status: no assertion criteria provided. Collection method: clinical testing. Allele origin: germline.
Comment: This variant is classified as likely benign based on ACMG/AMP sequence variant interpretation guidelines (Richards et al. 2015 PMID: 25741868, with internal and published modifications).